The following is an entry in ClinVar:

ClinVar aggregate classification (germline): Uncertain significance (1 of 4 stars; one submission).

Conditions:
Inborn genetic diseases. Identifiers: MedGen C0950123, MeSH D030342.

Submission:

Ambry Genetics
Classification: Uncertain significance for Inborn genetic diseases. Last evaluated: 2019-12-30. Review status: criteria provided, single submitter. Criteria: Ambry Variant Classification Scheme 2023. Collection method: clinical testing. Allele origin: germline.
Comment: The alteration results in an amino acid change:_x000D_ _x000D_ The c.5099T>C (p.L1700P) alteration is located in exon 27 (coding exon 25) of the KMT2E gene. This alteration results from a T to C substitution at nucleotide position 5099, causing the leucine (L) at amino acid position 1700 to be replaced by a proline (P). The alteration is not observed in population databases: _x000D_ _x000D_ Based on data from the Genome Aggregation Database (gnomAD), the KMT2E c.5099T>C alteration was not observed, with coverage at this position. The altered amino acid is not conserved throughout evolution:_x000D_ _x000D_ The p.L1700 amino acid is not conserved in available vertebrate species. The alteration is predicted tolerated by in silico modeling:_x000D_ _x000D_ The p.L1700P alteration is predicted to be tolerated by in silico analysis. Based on insufficient or conflicting evidence, the clinical significance of this alteration remains unclear.

NM_182931.3(KMT2E):c.5099T>C (p.Leu1700Pro)

Gene: KMT2E (lysine methyltransferase 2E (inactive); plus strand). Cytogenetic location: 7q22.3.
Variant type: single nucleotide variant.
Coding change: c.5099T>C on transcript NM_182931.3 (MANE Select); coding-DNA position 5099, T replaced by C.
Protein change: p.Leu1700Pro; replaces leucine 1700 with proline.
Molecular consequence: missense variant.
Genome position (GRCh38, 1-based): chr7:105,112,855, T>C. VCF-style: chr7-105112855-T-C. GRCh37 (hg19) VCF-style: chr7-104753302-T-C.
Other names: c.5099T>C, p.Leu1700Pro (NM_018682.4); short protein forms L1700P.
Identifiers: ClinVar variation 985975 (VCV000985975.4), dbSNP rs1799383672, ClinGen allele CA368794224.